The following is an entry in ClinVar:

NM_199420.4(POLQ):c.3104T>G (p.Met1035Arg)

Gene: POLQ (DNA polymerase theta; minus strand). Cytogenetic location: 3q13.33.
Variant type: single nucleotide variant.
Coding change: c.3104T>G on transcript NM_199420.4 (MANE Select); coding-DNA position 3104, T replaced by G.
Protein change: p.Met1035Arg; replaces methionine 1035 with arginine.
Molecular consequence: missense variant.
Genome position (GRCh38, 1-based): chr3:121,489,827, A>C on the plus strand (T>G on the coding strand, the complement: POLQ is on the minus strand). VCF-style: chr3-121489827-A-C. GRCh37 (hg19) VCF-style: chr3-121208674-A-C.
Other names: short protein forms M1035R.
Identifiers: ClinVar variation 2563808 (VCV002563808.2), dbSNP rs377601076, ClinGen allele CA354102979.

ClinVar aggregate classification (germline): Uncertain significance (1 of 4 stars; one submission).

Submission:

Ambry Genetics
Classification: Uncertain significance. Last evaluated: 2023-04-22. Review status: criteria provided, single submitter. Criteria: Ambry Variant Classification Scheme 2023. Collection method: clinical testing. Allele origin: germline.
Comment: The p.M1035R variant (also known as c.3104T>G), located in coding exon 16 of the POLQ gene, results from a T to G substitution at nucleotide position 3104. The methionine at codon 1035 is replaced by arginine, an amino acid with similar properties. This amino acid position is conserved. In addition, this alteration is predicted to be tolerated by in silico analysis. Since supporting evidence is limited at this time, the clinical significance of this alteration remains unclear.